The following is an entry in ClinVar:

NM_001286.5(CLCN6):c.1406del (p.Phe469fs)

Gene: CLCN6 (Cl-/H+ antiporter 6; plus strand). Cytogenetic location: 1p36.22.
Variant type: Deletion.
Coding change: c.1406del on transcript NM_001286.5 (MANE Select); coding-DNA position 1406, one base deleted (T; older notation c.1406delT).
Protein change: p.Phe469fs; shifts the reading frame from phenylalanine 469.
Molecular consequence: frameshift variant. On other transcripts: non-coding transcript variant (1).
Genome position (GRCh38, 1-based): chr1:11,833,910, T deleted; the last of 2 consecutive T bases (chr1:11,833,909-11,833,910); deleting either gives the same sequence. VCF-style (leftmost placement, unchanged base first): chr1-11833908-CT-C. GRCh37 (hg19) VCF-style: chr1-11893965-CT-C.
Other names: c.1340del, p.Phe447fs (NM_001256959.2); short protein forms F469fs, F447fs.
Identifiers: ClinVar variation 1386044 (VCV001386044.6), dbSNP rs1437582268, ClinGen allele CA521455382.

ClinVar aggregate classification (germline): Uncertain significance (1 of 4 stars; one submission).

Submission:

Labcorp Genetics (formerly Invitae), Labcorp
Classification: Uncertain significance. Last evaluated: 2024-02-24. Review status: criteria provided, single submitter. Criteria: Invitae Variant Classification Sherloc (09022015). Collection method: clinical testing. Allele origin: germline.
Comment: This sequence change creates a premature translational stop signal (p.Phe469Serfs*34) in the CLCN6 gene. It is expected to result in an absent or disrupted protein product. However, the current clinical and genetic evidence is not sufficient to establish whether loss-of-function variants in CLCN6 cause disease. This variant is present in population databases (no rsID available, gnomAD 0.007%). This variant has not been reported in the literature in individuals affected with CLCN6-related conditions. ClinVar contains an entry for this variant (Variation ID: 1386044). Algorithms developed to predict the effect of sequence changes on RNA splicing suggest that this variant may disrupt the consensus splice site. In summary, the available evidence is currently insufficient to determine the role of this variant in disease. Therefore, it has been classified as a Variant of Uncertain Significance.